The following is an entry in ClinVar:

ClinVar aggregate classification (germline): Uncertain significance (1 of 4 stars; one submission).

Submission:

GeneDx
Classification: Uncertain significance. Last evaluated: 2025-06-23. Review status: criteria provided, single submitter. Criteria: GeneDx Variant Classification Process June 2021. Collection method: clinical testing. Allele origin: germline. Affected: yes.
Comment: Not observed at significant frequency in large population cohorts (gnomAD); In silico analysis suggests that this missense variant does not alter protein structure/function; Has not been previously published as pathogenic or benign to our knowledge

NM_005862.3(STAG1):c.1651G>A (p.Val551Met)

Gene: STAG1 (STAG1 cohesin complex component; minus strand). Cytogenetic location: 3q22.3.
Variant type: single nucleotide variant.
Coding change: c.1651G>A on transcript NM_005862.3 (MANE Select); coding-DNA position 1651, G replaced by A.
Protein change: p.Val551Met; replaces valine 551 with methionine.
Molecular consequence: missense variant.
Genome position (GRCh38, 1-based): chr3:136,423,044, C>T on the plus strand (G>A on the coding strand, the complement: STAG1 is on the minus strand). VCF-style: chr3-136423044-C-T. GRCh37 (hg19) VCF-style: chr3-136141886-C-T.
Other names: short protein forms V551M.
Identifiers: ClinVar variation 4540269 (VCV004540269.1).